The following is an entry in ClinVar:

NM_006517.5(SLC16A2):c.1328A>T (p.Gln443Leu)

Gene: SLC16A2 (solute carrier family 16 member 2; plus strand). Cytogenetic location: Xq13.2.
Variant type: single nucleotide variant.
Coding change: c.1328A>T on transcript NM_006517.5 (MANE Select); coding-DNA position 1328, A replaced by T.
Protein change: p.Gln443Leu; replaces glutamine 443 with leucine.
Molecular consequence: missense variant.
Genome position (GRCh38, 1-based): chrX:74,529,370, A>T. VCF-style: chrX-74529370-A-T. GRCh37 (hg19) VCF-style: chrX-73749205-A-T.
Other names: short protein forms Q443L.
Identifiers: ClinVar variation 1304040 (VCV001304040.3), dbSNP rs2147871893, ClinGen allele CA413658503.

ClinVar aggregate classification (germline): Uncertain significance. Review status: criteria provided, multiple submitters, no conflicts (2 of 4 stars). 2 submissions from 2 submitters: Uncertain significance (2). Last evaluated 2025-04-28.

Conditions:
Allan-Herndon-Dudley syndrome (AHDS). Also called: ALLAN-HERNDON SYNDROME; Passos-Bueno syndrome; MENTAL RETARDATION AND MUSCULAR ATROPHY; T3 RESISTANCE; TRIIODOTHYRONINE RESISTANCE. Identifiers: Orphanet 59, MedGen C0795889, MONDO:0010354, OMIM 300523.

Submissions (2):

Institute of Human Genetics, University of Leipzig Medical Center
Classification: Uncertain significance for Allan-Herndon-Dudley syndrome. Last evaluated: 2025-04-28. Review status: criteria provided, single submitter. Criteria: ACMG Guidelines, 2015. Collection method: clinical testing. Allele origin: unknown. Inheritance: X-linked recessive inheritance. Affected: yes.
Comment: Criteria applied: PM1,PM2,PP2

GeneDx
Classification: Uncertain significance. Last evaluated: 2020-06-02. Review status: criteria provided, single submitter. Criteria: GeneDx Variant Classification Process June 2021. Collection method: clinical testing. Allele origin: germline. Affected: yes.
Comment: Not observed in large population cohorts (Lek et al., 2016); In silico analysis supports that this missense variant has a deleterious effect on protein structure/function; Has not been previously published as pathogenic or benign to our knowledge; In-silico analysis, which includes splice predictors and evolutionary conservation, is inconclusive as to whether the variant alters gene splicing. In the absence of RNA/functional studies, the actual effect of this sequence change is unknown.